The following is an entry in ClinVar:

ClinVar aggregate classification (germline): Pathogenic/Likely pathogenic. Review status: criteria provided, multiple submitters, no conflicts (2 of 4 stars). 2 submissions from 2 submitters: Pathogenic (1); Likely pathogenic (1). Last evaluated 2015-10-23.

Conditions:
Inborn genetic diseases. Identifiers: MedGen C0950123, MeSH D030342.
Microcephaly 2, primary, autosomal recessive, with or without cortical malformations. Also called: MICROCEPHALY 2, PRIMARY, AUTOSOMAL RECESSIVE, WITH CORTICAL MALFORMATIONS; WDR62 Primary Microcephaly. Identifiers: Orphanet 2512, MedGen C1858535, MONDO:0011435, OMIM 604317.

Allele frequency attached by ClinVar (database versions not stated): gnomAD 0.00001; TOPMed 0.00001.
gnomAD v4.1: 1 of 1,613,798 alleles (0.000062%); highest among the groups gnomAD compares: Non-Finnish European, 0.000085%; no homozygotes.

Submissions (2):

Ambry Genetics
Classification: Pathogenic for Inborn genetic diseases. Last evaluated: 2015-10-23. Review status: criteria provided, single submitter. Criteria: Ambry exome assertion method (8-5-2015). Collection method: clinical testing. Allele origin: germline. Affected: yes. Observed: 1 variant allele.

Neuberg Centre For Genomic Medicine, NCGM
Classification: Likely pathogenic for Microcephaly 2, primary, autosomal recessive, with or without cortical malformations. Review status: criteria provided, single submitter. Criteria: ACMG Guidelines, 2015. Collection method: clinical testing. Allele origin: germline. Inheritance: Autosomal recessive inheritance. Affected: yes.
Comment: The observed stop gained c.2575C>T(p.Gln859Ter) variant in WDR62 gene has not been reported previously as a pathogenic variant nor a benign variant, to our knowledge. The c.2575C>T variant is absent in gnomAD Exomes. This variant has been submitted to the ClinVar database as Pathogenic. The nucleotide change c.2575C>T in WDR62 is predicted as conserved by GERP++ and PhyloP across 100 vertebrates. Computational evidence (MutationTaster - Disease causing) predicts a damaging effect on protein structure and function for this variant. This sequence change creates a premature translational stop signal (p.Gln859Ter) in the WDR62 gene. This variant is predicted to cause loss of normal protein function through protein truncation. Loss of function variants have been previously reported to be disease causing. For these reasons, this variant has been classified as Likely Pathogenic. In absence of another reportable variant in WDR62 gene, the molecular diagnosis is not confirmed.

NM_001083961.2(WDR62):c.2575C>T (p.Gln859Ter)

Gene: WDR62 (WD repeat domain 62; plus strand). Cytogenetic location: 19q13.12.
Variant type: single nucleotide variant.
Coding change: c.2575C>T on transcript NM_001083961.2 (MANE Select); coding-DNA position 2575, C replaced by T.
Protein change: p.Gln859Ter; replaces glutamine 859 with a stop codon.
Molecular consequence: nonsense.
Genome position (GRCh38, 1-based): chr19:36,099,453, C>T. VCF-style: chr19-36099453-C-T. GRCh37 (hg19) VCF-style: chr19-36590355-C-T.
Other names: c.2575C>T, p.Gln859Ter (NM_173636.5); short protein forms Q859*.
Identifiers: ClinVar variation 520801 (VCV000520801.5), dbSNP rs1006898944, ClinGen allele CA307841210.